The following is an entry in ClinVar:

NC_000001.10:g.(?_172410869)_(172411762_?)dup

Genes: C1orf105 (chromosome 1 open reading frame 105; plus strand), PIGC (phosphatidylinositol glycan anchor biosynthesis class C; minus strand). Cytogenetic location: 1q24.3.
Variant type: Duplication.
Identifiers: ClinVar variation 2424509 (VCV002424509.3).

ClinVar aggregate classification (germline): Uncertain significance (1 of 4 stars; one submission).

Submission:

Labcorp Genetics (formerly Invitae), Labcorp
Classification: Uncertain significance. Last evaluated: 2022-07-28. Review status: criteria provided, single submitter. Criteria: Invitae Variant Classification Sherloc (09022015). Collection method: clinical testing. Allele origin: germline.
Comment: This variant has not been reported in the literature in individuals affected with PIGC-related conditions. A copy number gain of the genomic region encompassing the full coding sequence of the PIGC gene has been identified. The boundaries of this event are unknown as they extend beyond the assayed region for this gene and therefore may encompass additional genes. As the precise location of this event is unknown, it may be in tandem or it may be located elsewhere in the genome. Experimental studies and prediction algorithms are not available or were not evaluated, and the functional significance of this variant is currently unknown. In summary, the available evidence is currently insufficient to determine the role of this variant in disease. Therefore, it has been classified as a Variant of Uncertain Significance.